The following is an entry in ClinVar:

ClinVar aggregate classification (germline): Uncertain significance (1 of 4 stars; one submission).

Allele frequency attached by ClinVar (database versions not stated): gnomAD exomes below 0.00001; TOPMed below 0.00001.
gnomAD v4.1: 4 of 1,614,150 alleles (0.00025%); highest among the groups gnomAD compares: African/African-American, 0.0013%; no homozygotes.

Submission:

Labcorp Genetics (formerly Invitae), Labcorp
Classification: Uncertain significance. Last evaluated: 2024-09-29. Review status: criteria provided, single submitter. Criteria: Invitae Variant Classification Sherloc (09022015). Collection method: clinical testing. Allele origin: germline.
Comment: This sequence change replaces lysine, which is basic and polar, with arginine, which is basic and polar, at codon 110 of the ADGRE2 protein (p.Lys110Arg). This variant is present in population databases (no rsID available, gnomAD 0.007%). This variant has not been reported in the literature in individuals affected with ADGRE2-related conditions. An algorithm developed to predict the effect of missense changes on protein structure and function outputs the following: PolyPhen-2: "Benign". The arginine amino acid residue is found in multiple mammalian species, which suggests that this missense change does not adversely affect protein function. In summary, the available evidence is currently insufficient to determine the role of this variant in disease. Therefore, it has been classified as a Variant of Uncertain Significance.

NM_013447.4(ADGRE2):c.329A>G (p.Lys110Arg)

Gene: ADGRE2 (adhesion G protein-coupled receptor E2; minus strand). Cytogenetic location: 19p13.12.
Variant type: single nucleotide variant.
Coding change: c.329A>G on transcript NM_013447.4 (MANE Select); coding-DNA position 329, A replaced by G.
Protein change: p.Lys110Arg; replaces lysine 110 with arginine.
Molecular consequence: missense variant.
Genome position (GRCh38, 1-based): chr19:14,772,368, T>C on the plus strand (A>G on the coding strand, the complement: ADGRE2 is on the minus strand). VCF-style: chr19-14772368-T-C. GRCh37 (hg19) VCF-style: chr19-14883180-T-C.
Other names: c.329A>G, p.Lys110Arg (NM_001271052.1, NM_152916.2, NM_152917.2); short protein forms K110R.
Identifiers: ClinVar variation 2853321 (VCV002853321.3), dbSNP rs1465189039, ClinGen allele CA404463656.